The following is an entry in ClinVar:

NM_000038.6(APC):c.302G>T (p.Gly101Val)

Gene: APC (APC regulator of Wnt signaling pathway; plus strand). Cytogenetic location: 5q22.2.
Variant type: single nucleotide variant.
Coding change: c.302G>T on transcript NM_000038.6 (MANE Select); coding-DNA position 302, G replaced by T.
Protein change: p.Gly101Val; replaces glycine 101 with valine.
Molecular consequence: missense variant. On other transcripts: 5 prime UTR variant (1).
Genome position (GRCh38, 1-based): chr5:112,767,270, G>T. VCF-style: chr5-112767270-G-T. GRCh37 (hg19) VCF-style: chr5-112102967-G-T.
Other names: c.302G>T, p.Gly101Val (NM_001127510.3, NM_001354895.2, NM_001354896.2 and 2 more transcripts); c.332G>T, p.Gly111Val (NM_001127511.3, NM_001354897.2, NM_001354902.2); c.227G>T, p.Gly76Val (NM_001354898.2, NM_001354904.2); c.125G>T, p.Gly42Val (NM_001354900.2, NM_001354901.2, NM_001354905.2); c.-734G>T (NM_001354906.2); short protein forms G76V, G101V, G111V, G42V.
Identifiers: ClinVar variation 919656 (VCV000919656.4), dbSNP rs954713888, ClinGen allele CA16021990.

ClinVar aggregate classification (germline): Uncertain significance (1 of 4 stars; one submission).

Conditions:
Hereditary cancer-predisposing syndrome. Also called: Neoplastic Syndromes, Hereditary; Tumor predisposition; Hereditary Cancer Syndrome; Hereditary neoplastic syndrome. Identifiers: Orphanet 140162, MedGen C0027672, MeSH D009386, MONDO:0015356.

Allele frequency attached by ClinVar (database versions not stated): TOPMed below 0.00001; gnomAD 0.00001.

Submission:

Color Diagnostics, LLC DBA Color Health
Classification: Uncertain significance for Hereditary cancer-predisposing syndrome. Last evaluated: 2023-12-04. Review status: criteria provided, single submitter. Criteria: ACMG Guidelines, 2015. Collection method: clinical testing. Allele origin: germline.
Comment: This missense variant replaces glycine with valine at codon 101 of the APC protein. Computational prediction suggests that this variant may not impact protein structure and function (internally defined REVEL score threshold <= 0.5, PMID: 27666373). To our knowledge, functional studies have not been reported for this variant. This variant has not been reported in individuals affected with APC-related disorders in the literature. This variant has been identified in 1/31396 chromosomes in the general population by the Genome Aggregation Database (gnomAD). The available evidence is insufficient to determine the role of this variant in disease conclusively. Therefore, this variant is classified as a Variant of Uncertain Significance.